The following is an entry in ClinVar:

NM_000059.4(BRCA2):c.4062G>A (p.Thr1354=)

Gene: BRCA2 (BRCA2 DNA repair associated; plus strand). Cytogenetic location: 13q13.1.
Variant type: single nucleotide variant.
Coding change: c.4062G>A on transcript NM_000059.4 (MANE Select); coding-DNA position 4062, G replaced by A.
Protein change: p.Thr1354=; no amino-acid change (threonine 1354 retained).
Molecular consequence: synonymous variant.
Genome position (GRCh38, 1-based): chr13:32,338,417, G>A. VCF-style: chr13-32338417-G-A. GRCh37 (hg19) VCF-style: chr13-32912554-G-A.
Identifiers: ClinVar variation 184439 (VCV000184439.29), dbSNP rs768735660, ClinGen allele CA019456.

ClinVar aggregate classification (germline): Likely benign. Review status: reviewed by expert panel (3 of 4 stars). 11 submissions from 11 submitters: Likely benign (1). 10 of the submissions do not count toward it. Last evaluated 2017-06-29.

Conditions:
BRCA2-related disorder. Also called: BRCA2-related condition; BRCA2-related disorders. Identifiers: MedGen CN239275.
Hereditary cancer-predisposing syndrome. Also called: Tumor predisposition; Neoplastic Syndromes, Hereditary; Hereditary neoplastic syndrome; Hereditary Cancer Syndrome. Identifiers: Orphanet 140162, MedGen C0027672, MeSH D009386, MONDO:0015356.
Hereditary breast ovarian cancer syndrome. Also called: Hereditary breast and ovarian cancer syndrome; Hereditary breast and ovarian cancer syndrome (HBOC); Hereditary breast and ovarian cancer; Breast and ovarian cancer; BRCA1- and BRCA2-Associated Hereditary Breast and Ovarian Cancer; Hereditary breast and/or ovarian cancer syndrome. Identifiers: Orphanet 145, MedGen C0677776, MeSH D061325, MONDO:0003582. Disease mechanism: loss of function.
Breast-ovarian cancer, familial, susceptibility to, 2 (BROVCA2). Also called: BRCA2 Hereditary Breast and Ovarian Cancer. Identifiers: Orphanet 145, MedGen C2675520, MONDO:0012933, OMIM 612555. Disease mechanism: loss of function.

Allele frequency attached by ClinVar (database versions not stated): ExAC 0.00001; gnomAD 0.00002.
gnomAD v4.1: 13 of 1,604,954 alleles (0.00081%); highest among the groups gnomAD compares: Admixed American, 0.0017%; no homozygotes.

Submissions (11):

Evidence-based Network for the Interpretation of Germline Mutant Alleles (ENIGMA)
Classification: Likely benign for Breast-ovarian cancer, familial, susceptibility to, 2. Last evaluated: 2017-06-29. Review status: reviewed by expert panel. Criteria: ENIGMA BRCA1/2 Classification Criteria (2017-06-29). Collection method: curation. Allele origin: germline.
Comment: Synonymous substitution variant, with low bioinformatic likelihood to result in a splicing aberration (Splicing prior probability 0.02).

Labcorp Genetics (formerly Invitae), Labcorp
Classification: Likely benign for Hereditary breast ovarian cancer syndrome. Last evaluated: 2026-01-06. Review status: criteria provided, single submitter. Criteria: Invitae Variant Classification Sherloc (09022015). Collection method: clinical testing. Allele origin: germline. Not counted in ClinVar's aggregate classification.

All of Us Research Program, National Institutes of Health
Classification: Likely benign for Breast-ovarian cancer, familial, susceptibility to, 2. Last evaluated: 2023-10-27. Review status: criteria provided, single submitter. Criteria: ACMG Guidelines, 2015. Collection method: clinical testing. Allele origin: germline. Inheritance: Autosomal dominant inheritance. Observed: 5 variant alleles, 5 heterozygotes. Not counted in ClinVar's aggregate classification.
Comment: This study involves interpretation of variants in research participants for the purpose of population health screening. Participant phenotype was not available at the time of variant classification. Additional details can be found in publication PMID: 35346344, PMCID: PMC8962531

Blueprint Genetics
Classification: Likely benign. Last evaluated: 2023-03-16. Review status: criteria provided, single submitter. Criteria: ACMG Guidelines, 2015. Collection method: clinical testing. Allele origin: germline. Not counted in ClinVar's aggregate classification.

Quest Diagnostics Nichols Institute San Juan Capistrano
Classification: Likely benign. Last evaluated: 2022-08-19. Review status: criteria provided, single submitter. Criteria: Quest Diagnostics criteria. Collection method: clinical testing. Allele origin: unknown. Not counted in ClinVar's aggregate classification.

Women's Health and Genetics/Laboratory Corporation of America, LabCorp
Classification: Likely benign. Last evaluated: 2021-07-30. Review status: criteria provided, single submitter. Criteria: LabCorp Variant Classification Summary - May 2015. Collection method: clinical testing. Allele origin: germline. Not counted in ClinVar's aggregate classification.

Color Diagnostics, LLC DBA Color Health
Classification: Likely benign for Hereditary cancer-predisposing syndrome. Last evaluated: 2018-05-15. Review status: criteria provided, single submitter. Criteria: ACMG Guidelines, 2015. Collection method: clinical testing. Allele origin: germline. Not counted in ClinVar's aggregate classification.

Ambry Genetics
Classification: Likely benign for Hereditary cancer-predisposing syndrome. Last evaluated: 2016-06-16. Review status: criteria provided, single submitter. Criteria: Ambry Variant Classification Scheme 2023. Collection method: clinical testing. Allele origin: germline. Not counted in ClinVar's aggregate classification.

GeneDx
Classification: Benign. Last evaluated: 2015-03-03. Review status: criteria provided, single submitter. Criteria: GeneDx Variant Classification Process June 2021. Collection method: clinical testing. Allele origin: germline. Affected: yes. Not counted in ClinVar's aggregate classification.

Molecular Genetics Laboratory, University of Michigan
Classification: Benign for Breast-ovarian cancer, familial, susceptibility to, 2. Last evaluated: 2014-11-03. Review status: criteria provided, single submitter. Criteria: ACMG Guidelines, 2015. Collection method: clinical testing. Allele origin: germline. Affected: yes. Not counted in ClinVar's aggregate classification.

PreventionGenetics, part of Exact Sciences
Classification: Likely benign for BRCA2-related condition. Last evaluated: 2024-07-09. Review status: no assertion criteria provided. Collection method: clinical testing. Allele origin: germline. Not counted in ClinVar's aggregate classification.
Comment: This variant is classified as likely benign based on ACMG/AMP sequence variant interpretation guidelines (Richards et al. 2015 PMID: 25741868, with internal and published modifications).

Literature cited by the submitters: PubMed 32467295 (cited by Quest Diagnostics Nichols Institute San Juan Capistrano); PubMed 20858050 (cited by Quest Diagnostics Nichols Institute San Juan Capistrano and Women's Health and Genetics/Laboratory Corporation of America, LabCorp).